The following is an entry in ClinVar:

ClinVar aggregate classification (germline): Conflicting classifications of pathogenicity. Review status: criteria provided, conflicting classifications (1 of 4 stars). 2 submissions from 2 submitters: Likely pathogenic (1); Uncertain significance (1). Last evaluated 2026-04-16.

Conditions:
ATP5MK-related condition.
Mitochondrial complex 5 (ATP synthase) deficiency, nuclear type 6. Also called: MITOCHONDRIAL COMPLEX V (ATP SYNTHASE) DEFICIENCY, NUCLEAR TYPE 6. Identifiers: MedGen C5231461, MONDO:0032869, OMIM 618683.

Allele frequency attached by ClinVar (database versions not stated): gnomAD 0.00001; gnomAD exomes 0.00001; TOPMed 0.00001.

Submissions (2):

PreventionGenetics, part of Exact Sciences
Classification: Uncertain significance for ATP5MK-related condition. Last evaluated: 2026-04-16. Review status: criteria provided, single submitter. Criteria: ACMG Guidelines, 2015. Collection method: clinical testing. Allele origin: germline.
Comment: The ATP5MK c.87+2dupT variant is predicted to result in an intronic duplication. This variant is predicted to alter splicing based on available splicing prediction programs (SpliceAI, Jaganathan et al. 2019. PubMed ID: 30661751; Alamut Visual v1.6.1). However, the use of computer prediction programs is not equivalent to functional evidence. To our knowledge, this variant has not been reported in the literature. A canonical splice variant affecting the same splice site, c.87+1G>C, has been reported in the homozygous state in three individuals from unrelated Ashkenazi Jewish families who presented with Leigh syndrome spectrum disorder (ATP5MK is described as USMG5 in Barca et al. 2018. PubMed ID: 29917077). This variant is reported in 0.011% of alleles in individuals of South Asian descent in gnomAD. At this time, the clinical significance of the c.87+2dupT variant is uncertain due to the absence of conclusive functional and genetic evidence.

Women's Health and Genetics/Laboratory Corporation of America, LabCorp
Classification: Likely pathogenic for Mitochondrial complex 5 (atp synthase) deficiency, nuclear type 6. Last evaluated: 2020-09-22. Review status: criteria provided, single submitter. Criteria: LabCorp Variant Classification Summary - May 2015. Collection method: clinical testing. Allele origin: germline.
Comment: Variant summary: USMG5 (also known as ATP5MD) c.87+2dupT alters a conserved nucleotide located close to a canonical splice site and therefore could affect mRNA splicing, leading to a significantly altered protein sequence. Several computational tools predict a significant impact on normal splicing: 4/4 predict that the variant abolishes a 5' splicing donor site. However, these predictions have yet to be confirmed by functional studies. The variant allele was found at a frequency of 1.2e-05 in 240220 control chromosomes (gnomAD). The available data on variant occurrences in the general population are insufficient to allow any conclusion about variant significance. To our knowledge, no occurrence of c.87+2dupT in individuals affected with Mitochondrial Complex 5 (ATP Synthase) Deficiency, Nuclear Type 6 (MC5DN6) and no experimental evidence demonstrating its impact on protein function have been reported. However, a different variant that affects the same splice site, c.87+1G>C, has been reported as a homozygous mutation in at least 4 Ashkenazi Jewish individuals affected with Leigh syndrome, and functional studies demonstrated that this variant resulted in the lack of the protein product, which caused impairment in mitochondrial ATP production (PMID: 29917077). These findings suggest that the current variant might have similar effects. No clinical diagnostic laboratories have submitted clinical-significance assessments for the current variant to ClinVar after 2014. Based on the evidence outlined above, the variant was classified as likely pathogenic.

NM_001206427.2(ATP5MK):c.87+2dup

Gene: ATP5MK (ATP synthase membrane subunit k; minus strand). Cytogenetic location: 10q24.33.
Variant type: Duplication.
Coding change: c.87+2dup on transcript NM_001206427.2 (MANE Select); the canonical splice donor site of the intron after coding-DNA position 87, one base duplicated (T; older notation c.87+2dupT).
Molecular consequence: splice donor variant.
Genome position (GRCh38, 1-based): chr10:103,392,369, A duplicated on the plus strand (T on the coding strand, the reverse complement: ATP5MK is on the minus strand). VCF-style (leftmost placement, unchanged base first): chr10-103392368-T-TA. GRCh37 (hg19) VCF-style: chr10-105152125-T-TA.
Other names: c.87+2dupT (NM_001206427.1); c.87+2dup (NM_001206426.2, NM_032747.4).
Identifiers: ClinVar variation 981119 (VCV000981119.2), dbSNP rs1339841048, ClinGen allele CA596111023.